The following is an entry in ClinVar:

ClinVar aggregate classification (germline): Uncertain significance (1 of 4 stars; one submission).

gnomAD v4.1: 2 of 1,582,750 alleles (0.00013%); highest among the groups gnomAD compares: Non-Finnish European, 0.00017%; no homozygotes.

Submission:

Labcorp Genetics (formerly Invitae), Labcorp
Classification: Uncertain significance. Last evaluated: 2024-02-05. Review status: criteria provided, single submitter. Criteria: Invitae Variant Classification Sherloc (09022015). Collection method: clinical testing. Allele origin: germline.
Comment: This sequence change replaces proline, which is neutral and non-polar, with threonine, which is neutral and polar, at codon 2065 of the MYO7A protein (p.Pro2065Thr). This variant is not present in population databases (gnomAD no frequency). This variant has not been reported in the literature in individuals affected with MYO7A-related conditions. ClinVar contains an entry for this variant (Variation ID: 971378). Advanced modeling of protein sequence and biophysical properties (such as structural, functional, and spatial information, amino acid conservation, physicochemical variation, residue mobility, and thermodynamic stability) performed at Invitae indicates that this missense variant is expected to disrupt MYO7A protein function with a positive predictive value of 95%. In summary, the available evidence is currently insufficient to determine the role of this variant in disease. Therefore, it has been classified as a Variant of Uncertain Significance.

NM_000260.4(MYO7A):c.6193C>A (p.Pro2065Thr)

Gene: MYO7A (myosin VIIA; plus strand). Cytogenetic location: 11q13.5.
Variant type: single nucleotide variant.
Coding change: c.6193C>A on transcript NM_000260.4 (MANE Select); coding-DNA position 6193, C replaced by A.
Protein change: p.Pro2065Thr; replaces proline 2065 with threonine.
Molecular consequence: missense variant.
Genome position (GRCh38, 1-based): chr11:77,211,293, C>A. VCF-style: chr11-77211293-C-A. GRCh37 (hg19) VCF-style: chr11-76922338-C-A.
Other names: c.6079C>A, p.Pro2027Thr (NM_001127180.2); c.6046C>A, p.Pro2016Thr (NM_001369365.1); short protein forms P2065T, P2016T, P2027T.
Identifiers: ClinVar variation 971378 (VCV000971378.10), dbSNP rs1957848873, ClinGen allele CA381936157.
Genomic context (GRCh38, chr11:77,211,293, plus strand): 5'-AAGTTCGAGGAGGACAAGTCCTACTTCCCCAGCATCCCCAAGCTGCTGCGGGAGCTGGTG[C>A]CCCAGGACCTTATCCGGCAGGTCTCACCTGATGACTGGAAGCGGGTGAGCATGGGGTGGG-3'
Protein context (NP_000251.3, residues 2055-2075): SIPKLLRELV[Pro2065Thr]QDLIRQVSPD